The following is an entry in ClinVar:

NM_006734.4(HIVEP2):c.2016A>G (p.Glu672=)

Gene: HIVEP2 (HIVEP zinc finger 2; minus strand). Cytogenetic location: 6q24.2.
Variant type: single nucleotide variant.
Coding change: c.2016A>G on transcript NM_006734.4 (MANE Select); coding-DNA position 2016, A replaced by G.
Protein change: p.Glu672=; no amino-acid change (glutamic acid 672 retained).
Molecular consequence: synonymous variant.
Genome position (GRCh38, 1-based): chr6:142,772,723, T>C on the plus strand (A>G on the coding strand, the complement: HIVEP2 is on the minus strand). VCF-style: chr6-142772723-T-C. GRCh37 (hg19) VCF-style: chr6-143093860-T-C.
Identifiers: ClinVar variation 2749754 (VCV002749754.25), dbSNP rs368106963, ClinGen allele CA4028494.

ClinVar aggregate classification (germline): Benign/Likely benign. Review status: criteria provided, multiple submitters, no conflicts (2 of 4 stars). 2 submissions from 2 submitters: Benign (1); Likely benign (1). Last evaluated 2025-06-28.

Allele frequency attached by ClinVar (database versions not stated): ESP Exome Variant Server 0.00008; gnomAD 0.00011; ExAC 0.00012; TOPMed 0.00012.
gnomAD v4.1: 186 of 1,614,224 alleles (0.012%); highest among the groups gnomAD compares: Non-Finnish European, 0.0019%; 1 homozygote.

Submissions (2):

Labcorp Genetics (formerly Invitae), Labcorp
Classification: Benign. Last evaluated: 2025-06-28. Review status: criteria provided, single submitter. Criteria: Invitae Variant Classification Sherloc (09022015). Collection method: clinical testing. Allele origin: germline.

CeGaT Center for Human Genetics Tuebingen
Classification: Likely benign. Last evaluated: 2023-12-01. Review status: criteria provided, single submitter. Criteria: CeGaT Center For Human Genetics Tuebingen Variant Classification Criteria Version 2. Collection method: clinical testing. Allele origin: germline. Affected: yes. Observed: 1 variant allele.
Comment: HIVEP2: BP4, BP7